The following is an entry in ClinVar:

ClinVar aggregate classification (germline): Uncertain significance (1 of 4 stars; one submission).

Allele frequency attached by ClinVar (database versions not stated): TOPMed below 0.00001.
gnomAD v4.1: 2 of 1,613,808 alleles (0.00012%); highest among the groups gnomAD compares: Non-Finnish European, 0.000085%; no homozygotes.

Submission:

Labcorp Genetics (formerly Invitae), Labcorp
Classification: Uncertain significance. Last evaluated: 2023-02-25. Review status: criteria provided, single submitter. Criteria: Invitae Variant Classification Sherloc (09022015). Collection method: clinical testing. Allele origin: germline.
Comment: In summary, the available evidence is currently insufficient to determine the role of this variant in disease. Therefore, it has been classified as a Variant of Uncertain Significance. An algorithm developed to predict the effect of missense changes on protein structure and function (PolyPhen-2) suggests that this variant is likely to be disruptive. This variant has not been reported in the literature in individuals affected with COL4A1-related conditions. This variant is not present in population databases (gnomAD no frequency). This sequence change replaces glutamic acid, which is acidic and polar, with valine, which is neutral and non-polar, at codon 1134 of the COL4A1 protein (p.Glu1134Val).

NM_001845.6(COL4A1):c.3401A>T (p.Glu1134Val)

Gene: COL4A1 (collagen type IV alpha 1 chain; minus strand). Cytogenetic location: 13q34.
Variant type: single nucleotide variant.
Coding change: c.3401A>T on transcript NM_001845.6 (MANE Select); coding-DNA position 3401, A replaced by T.
Protein change: p.Glu1134Val; replaces glutamic acid 1134 with valine.
Molecular consequence: missense variant.
Genome position (GRCh38, 1-based): chr13:110,174,451, T>A on the plus strand (A>T on the coding strand, the complement: COL4A1 is on the minus strand). VCF-style: chr13-110174451-T-A. GRCh37 (hg19) VCF-style: chr13-110826798-T-A.
Other names: short protein forms E1134V.
Identifiers: ClinVar variation 2905481 (VCV002905481.3), dbSNP rs751702469, ClinGen allele CA388664327.